The following is an entry in ClinVar:

ClinVar aggregate classification (germline): Uncertain significance. Review status: criteria provided, multiple submitters, no conflicts (2 of 4 stars). 2 submissions from 2 submitters: Uncertain significance (2). Last evaluated 2023-06-02.

Conditions:
Inborn genetic diseases. Identifiers: MedGen C0950123, MeSH D030342.

Allele frequency attached by ClinVar (database versions not stated): gnomAD exomes 0.00003 and 0.00004; ExAC 0.00004; gnomAD 0.00004; TOPMed 0.00004.
gnomAD v4.1: 53 of 1,613,870 alleles (0.0033%); highest among the groups gnomAD compares: Non-Finnish European, 0.0042%; no homozygotes.

Submissions (2):

Ambry Genetics
Classification: Uncertain significance for Inborn genetic diseases. Last evaluated: 2023-06-02. Review status: criteria provided, single submitter. Criteria: Ambry Variant Classification Scheme 2023. Collection method: clinical testing. Allele origin: germline.

Labcorp Genetics (formerly Invitae), Labcorp
Classification: Uncertain significance. Last evaluated: 2022-02-24. Review status: criteria provided, single submitter. Criteria: Invitae Variant Classification Sherloc (09022015). Collection method: clinical testing. Allele origin: germline.
Comment: This variant has not been reported in the literature in individuals affected with CNGB1-related conditions. In summary, the available evidence is currently insufficient to determine the role of this variant in disease. Therefore, it has been classified as a Variant of Uncertain Significance. Advanced modeling of protein sequence and biophysical properties (such as structural, functional, and spatial information, amino acid conservation, physicochemical variation, residue mobility, and thermodynamic stability) performed at Invitae indicates that this missense variant is not expected to disrupt CNGB1 protein function. ClinVar contains an entry for this variant (Variation ID: 1018810). This variant is present in population databases (rs779904580, gnomAD 0.007%). This sequence change replaces serine, which is neutral and polar, with glycine, which is neutral and non-polar, at codon 744 of the CNGB1 protein (p.Ser744Gly).

NM_001297.5(CNGB1):c.2230A>G (p.Ser744Gly)

Gene: CNGB1 (cyclic nucleotide gated channel subunit beta 1; minus strand). Cytogenetic location: 16q21.
Variant type: single nucleotide variant.
Coding change: c.2230A>G on transcript NM_001297.5 (MANE Select); coding-DNA position 2230, A replaced by G.
Protein change: p.Ser744Gly; replaces serine 744 with glycine.
Molecular consequence: missense variant.
Genome position (GRCh38, 1-based): chr16:57,915,323, T>C on the plus strand (A>G on the coding strand, the complement: CNGB1 is on the minus strand). VCF-style: chr16-57915323-T-C. GRCh37 (hg19) VCF-style: chr16-57949227-T-C.
Other names: c.2212A>G, p.Ser738Gly (NM_001286130.2); c.2230A>G (NM_001297.4); short protein forms S738G, S744G.
Identifiers: ClinVar variation 1018810 (VCV001018810.11), dbSNP rs779904580, ClinGen allele CA8083090.
Genomic context (GRCh38, chr16:57,915,323, plus strand): 5'-GCAGGCGGAGGAGGGGGTTCACACCGACTTTCAAATAGAGAAAATCCAAGGGCAGGAGGC[T>C]GAGCAGGTCCATCTGAAATCCCAGTGGGACACCATGGGGGTAAAACGGATGACTCCAGGG-3'
Protein context (NP_001288.3, residues 734-754): KSRRFKMDLL[Ser744Gly]LLPLDFLYLK